The following is an entry in ClinVar:

ClinVar aggregate classification (germline): Uncertain significance. Review status: criteria provided, multiple submitters, no conflicts (2 of 4 stars). 2 submissions from 2 submitters: Uncertain significance (2). Last evaluated 2022-07-18.

Conditions:
Lafora disease. Also called: Epilepsy progressive myoclonic 2. Identifiers: Orphanet 501, MedGen C0751783, MONDO:0009697.

Allele frequency attached by ClinVar (database versions not stated): TOPMed 0.00001; ExAC 0.00002; gnomAD exomes 0.00002.

Submissions (2):

Labcorp Genetics (formerly Invitae), Labcorp
Classification: Uncertain significance for Lafora disease. Last evaluated: 2022-07-18. Review status: criteria provided, single submitter. Criteria: Invitae Variant Classification Sherloc (09022015). Collection method: clinical testing. Allele origin: germline.
Comment: This sequence change replaces serine, which is neutral and polar, with phenylalanine, which is neutral and non-polar, at codon 238 of the NHLRC1 protein (p.Ser238Phe). This variant is present in population databases (rs747276703, gnomAD 0.004%). This variant has not been reported in the literature in individuals affected with NHLRC1-related conditions. ClinVar contains an entry for this variant (Variation ID: 578544). Algorithms developed to predict the effect of missense changes on protein structure and function are either unavailable or do not agree on the potential impact of this missense change (SIFT: "Deleterious"; PolyPhen-2: "Benign"; Align-GVGD: "Class C15"). In summary, the available evidence is currently insufficient to determine the role of this variant in disease. Therefore, it has been classified as a Variant of Uncertain Significance.

GeneDx
Classification: Uncertain significance. Last evaluated: 2020-10-16. Review status: criteria provided, single submitter. Criteria: GeneDx Variant Classification Process June 2021. Collection method: clinical testing. Allele origin: germline. Affected: yes.
Comment: Not observed at a significant frequency in large population cohorts (Lek et al., 2016); In silico analysis supports that this missense variant has a deleterious effect on protein structure/function; Has not been previously published as pathogenic or benign to our knowledge

NM_198586.3(NHLRC1):c.713C>T (p.Ser238Phe)

Gene: NHLRC1 (NHL repeat containing E3 ubiquitin protein ligase 1; minus strand). Cytogenetic location: 6p22.3.
Variant type: single nucleotide variant.
Coding change: c.713C>T on transcript NM_198586.3 (MANE Select); coding-DNA position 713, C replaced by T.
Protein change: p.Ser238Phe; replaces serine 238 with phenylalanine.
Molecular consequence: missense variant.
Genome position (GRCh38, 1-based): chr6:18,121,894, G>A on the plus strand (C>T on the coding strand, the complement: NHLRC1 is on the minus strand). VCF-style: chr6-18121894-G-A. GRCh37 (hg19) VCF-style: chr6-18122125-G-A.
Other names: short protein forms S238F.
Identifiers: ClinVar variation 578544 (VCV000578544.9), dbSNP rs747276703, ClinGen allele CA3649954.